The following is an entry in ClinVar:

ClinVar aggregate classification (germline): Uncertain significance (1 of 4 stars; one submission).

Allele frequency attached by ClinVar (database versions not stated): gnomAD exomes 0.00001; ExAC 0.00003; gnomAD 0.00007; TOPMed 0.00008.
gnomAD v4.1: 24 of 1,575,772 alleles (0.0015%); highest among the groups gnomAD compares: African/African-American, 0.023%; no homozygotes.

Submission:

Labcorp Genetics (formerly Invitae), Labcorp
Classification: Uncertain significance. Last evaluated: 2025-07-16. Review status: criteria provided, single submitter. Criteria: Invitae Variant Classification Sherloc (09022015). Collection method: clinical testing. Allele origin: germline.
Comment: This sequence change replaces glutamic acid, which is acidic and polar, with lysine, which is basic and polar, at codon 534 of the FBN3 protein (p.Glu534Lys). This variant is present in population databases (no rsID available, gnomAD 0.03%). This variant has not been reported in the literature in individuals affected with FBN3-related conditions. ClinVar contains an entry for this variant (Variation ID: 2083053). Invitae Evidence Modeling of protein sequence and biophysical properties (such as structural, functional, and spatial information, amino acid conservation, physicochemical variation, residue mobility, and thermodynamic stability) indicates that this missense variant is expected to disrupt FBN3 protein function with a positive predictive value of 80%. In summary, the available evidence is currently insufficient to determine the role of this variant in disease. Therefore, it has been classified as a Variant of Uncertain Significance.

NM_032447.5(FBN3):c.1600G>A (p.Glu534Lys)

Gene: FBN3 (fibrillin 3; minus strand). Cytogenetic location: 19p13.2.
Variant type: single nucleotide variant.
Coding change: c.1600G>A on transcript NM_032447.5 (MANE Select); coding-DNA position 1600, G replaced by A.
Protein change: p.Glu534Lys; replaces glutamic acid 534 with lysine.
Molecular consequence: missense variant.
Genome position (GRCh38, 1-based): chr19:8,133,098, C>T on the plus strand (G>A on the coding strand, the complement: FBN3 is on the minus strand). VCF-style: chr19-8133098-C-T. GRCh37 (hg19) VCF-style: chr19-8197982-C-T.
Other names: c.1600G>A, p.Glu534Lys (NM_001321431.2); short protein forms E534K.
Identifiers: ClinVar variation 2083053 (VCV002083053.4), dbSNP rs953858262, ClinGen allele CA9153233.